The following is an entry in ClinVar:

NM_003482.4(KMT2D):c.9481A>G (p.Met3161Val)

Gene: KMT2D (lysine methyltransferase 2D; minus strand). Cytogenetic location: 12q13.12.
Variant type: single nucleotide variant.
Coding change: c.9481A>G on transcript NM_003482.4 (MANE Select); coding-DNA position 9481, A replaced by G.
Protein change: p.Met3161Val; replaces methionine 3161 with valine.
Molecular consequence: missense variant.
Genome position (GRCh38, 1-based): chr12:49,037,875, T>C on the plus strand (A>G on the coding strand, the complement: KMT2D is on the minus strand). VCF-style: chr12-49037875-T-C. GRCh37 (hg19) VCF-style: chr12-49431658-T-C.
Other names: short protein forms M3161V.
Identifiers: ClinVar variation 4623143 (VCV004623143.2).

ClinVar aggregate classification (germline): Uncertain significance. Review status: criteria provided, multiple submitters, no conflicts (2 of 4 stars). 2 submissions from 2 submitters: Uncertain significance (2). Last evaluated 2025-11-20.

Conditions:
Kabuki syndrome. Also called: NIIKAWA-KUROKI SYNDROME; Kabuki make-up syndrome. Identifiers: Orphanet 2322, MedGen C0796004, MONDO:0016512.
Inborn genetic diseases. Identifiers: MedGen C0950123, MeSH D030342.

gnomAD v4.1: 1 of 1,597,766 alleles (0.000063%); highest among the groups gnomAD compares: Non-Finnish European, 0.000085%; no homozygotes.

Submissions (2):

Ambry Genetics
Classification: Uncertain significance for Inborn genetic diseases. Last evaluated: 2025-11-20. Review status: criteria provided, single submitter. Criteria: Ambry Variant Classification Scheme 2023. Collection method: clinical testing. Allele origin: germline.

Labcorp Genetics (formerly Invitae), Labcorp
Classification: Uncertain significance for Kabuki syndrome. Last evaluated: 2025-03-10. Review status: criteria provided, single submitter. Criteria: Invitae Variant Classification Sherloc (09022015). Collection method: clinical testing. Allele origin: germline.
Comment: This sequence change replaces methionine, which is neutral and non-polar, with valine, which is neutral and non-polar, at codon 3161 of the KMT2D protein (p.Met3161Val). This variant is not present in population databases (gnomAD no frequency). This variant has not been reported in the literature in individuals affected with KMT2D-related conditions. Invitae Evidence Modeling of protein sequence and biophysical properties (such as structural, functional, and spatial information, amino acid conservation, physicochemical variation, residue mobility, and thermodynamic stability) indicates that this missense variant is not expected to disrupt KMT2D protein function with a negative predictive value of 95%. In summary, the available evidence is currently insufficient to determine the role of this variant in disease. Therefore, it has been classified as a Variant of Uncertain Significance.